The following is an entry in ClinVar:

ClinVar aggregate classification (germline): Likely pathogenic (1 of 4 stars; one submission).

Conditions:
Myosin storage myopathy (CMYO7A). Also called: MYOPATHY, HYALINE BODY, AUTOSOMAL DOMINANT; SCAPULOPERONEAL MUSCULAR DYSTROPHY; SCAPULOPERONEAL SYNDROME, MYOPATHIC TYPE; Scapuloperoneal myopathy, MYH7-related; MYH7-related late-onset scapuloperoneal muscular dystrophy; Congenital myopathy 7A, myosin storage, autosomal dominant. Identifiers: Orphanet 437572, Orphanet 636965, MedGen C1842160, MONDO:0008409, OMIM 608358.

Submission:

Broad Center for Mendelian Genomics, Broad Institute of MIT and Harvard
Classification: Likely pathogenic for Myosin storage myopathy. Last evaluated: 2023-05-02. Review status: criteria provided, single submitter. Criteria: ACMG Guidelines, 2015. Collection method: curation. Allele origin: germline. Inheritance: Autosomal dominant inheritance.
Comment: The heterozygous c.5158-16C>G variant in MYH7 was identified in two siblings with congenital myopathy by our study. Familial genome analysis showed this variant to be de novo in the (two) affected siblings of the family identified by our study. The c.5158-16C>G variant in MYH7 has not been previously reported in individuals with autosomal dominant myosin storage myopathy. This variant was absent from large population studies. RNAseq analysis performed on affected muscle tissue (from one of the affected individuals identified by our study) shows altered splicing and exon extension of exon 36. This variant is located in the 3‚Äô splice region. Computational tools do suggest an impact to splicing. However, this information is not predictive enough to determine/rule out pathogenicity. In summary, although additional studies are required to fully establish its clinical significance, this variant is likely pathogenic for autosomal dominant myosin storage myopathy. ACMG/AMP Criteria applied: PS2, PS3_Moderate, PM2_Supporting (Richards 2015).

NM_000257.4(MYH7):c.5158-16C>G

Genes: MHRT (myosin heavy chain associated RNA transcript; plus strand), MYH7 (myosin heavy chain 7; minus strand), LOC126861897 (BRD4-independent group 4 enhancer GRCh37_chr14:23884455-23885654; plus strand). Cytogenetic location: 14q11.2.
Variant type: single nucleotide variant.
Coding change: c.5158-16C>G on transcript NM_000257.4 (MANE Select); 16 bases into the intron before coding-DNA position 5158, C replaced by G.
Molecular consequence: intron variant.
Genome position (GRCh38, 1-based): chr14:23,415,522, G>C on the plus strand (C>G on the coding strand, the complement: MYH7 is on the minus strand). VCF-style: chr14-23415522-G-C. GRCh37 (hg19) VCF-style: chr14-23884731-G-C.
Other names: NM_000257.4:c.5158-16C>G; c.5158-16C>G (NM_001407004.1).
Identifiers: ClinVar variation 2500945 (VCV002500945.2), dbSNP rs2502241547, ClinGen allele CA2573331879.